The following is an entry in ClinVar:

NM_025132.4(WDR19):c.3236T>C (p.Leu1079Pro)

Gene: WDR19 (WD repeat domain 19; plus strand). Cytogenetic location: 4p14.
Variant type: single nucleotide variant.
Coding change: c.3236T>C on transcript NM_025132.4 (MANE Select); coding-DNA position 3236, T replaced by C.
Protein change: p.Leu1079Pro; replaces leucine 1079 with proline.
Molecular consequence: missense variant.
Genome position (GRCh38, 1-based): chr4:39,266,115, T>C. VCF-style: chr4-39266115-T-C. GRCh37 (hg19) VCF-style: chr4-39267735-T-C.
Other names: c.2756T>C, p.Leu919Pro (NM_001317924.2); short protein forms L919P, L1079P.
Identifiers: ClinVar variation 1524538 (VCV001524538.6), dbSNP rs2109483428, ClinGen allele CA356644917.
Genomic context (GRCh38, chr4:39,266,115, plus strand): 5'-TTAAACAGGTTGGTCAGGCCAAAGATGAACTGCTGACCAATCAGCTGATAGACCATCTCC[T>C]GGGGGAGAACGATGGCATGCCTAAGGTACTGAACACGTGGGCTTCGTGTGCATCCTCAGG-3'
Protein context (NP_079408.3, residues 1069-1089): LLTNQLIDHL[Leu1079Pro]GENDGMPKDA

ClinVar aggregate classification (germline): Uncertain significance (1 of 4 stars; one submission).

Conditions:
Asphyxiating thoracic dystrophy 5 (SRTD5). Also called: SHORT-RIB THORACIC DYSPLASIA 5 WITH OR WITHOUT POLYDACTYLY; SHORT-RIB THORACIC DYSPLASIA 5 WITHOUT POLYDACTYLY. Identifiers: Orphanet 474, MedGen C3280598, MONDO:0013717, OMIM 614376.
Senior-Loken syndrome 8 (SLSN8). Identifiers: Orphanet 3156, MedGen C4225376, MONDO:0014579, OMIM 616307.

Submission:

Labcorp Genetics (formerly Invitae), Labcorp
Classification: Uncertain significance for Senior-Loken syndrome 8; Asphyxiating thoracic dystrophy 5. Last evaluated: 2021-10-11. Review status: criteria provided, single submitter. Criteria: Invitae Variant Classification Sherloc (09022015). Collection method: clinical testing. Allele origin: germline.
Comment: This variant has not been reported in the literature in individuals affected with WDR19-related conditions. This variant is not present in population databases (gnomAD no frequency). This sequence change replaces leucine, which is neutral and non-polar, with proline, which is neutral and non-polar, at codon 1079 of the WDR19 protein (p.Leu1079Pro). In summary, the available evidence is currently insufficient to determine the role of this variant in disease. Therefore, it has been classified as a Variant of Uncertain Significance. Algorithms developed to predict the effect of missense changes on protein structure and function are either unavailable or do not agree on the potential impact of this missense change (SIFT: "Deleterious"; PolyPhen-2: "Possibly Damaging"; Align-GVGD: "Class C0").